The following is an entry in ClinVar:

NM_018714.3(COG1):c.728A>G (p.Asn243Ser)

Gene: COG1 (component of oligomeric golgi complex 1; plus strand). Cytogenetic location: 17q25.1.
Variant type: single nucleotide variant.
Coding change: c.728A>G on transcript NM_018714.3 (MANE Select); coding-DNA position 728, A replaced by G.
Protein change: p.Asn243Ser; replaces asparagine 243 with serine.
Molecular consequence: missense variant.
Genome position (GRCh38, 1-based): chr17:73,197,067, A>G. VCF-style: chr17-73197067-A-G. GRCh37 (hg19) VCF-style: chr17-71193206-A-G.
Other names: short protein forms N243S.
Identifiers: ClinVar variation 596365 (VCV000596365.12), dbSNP rs368856790, ClinGen allele CA8740045.

ClinVar aggregate classification (germline): Uncertain significance. Review status: criteria provided, multiple submitters, no conflicts (2 of 4 stars). 3 submissions from 3 submitters: Uncertain significance (3). Last evaluated 2023-06-07.

Conditions:
COG1 congenital disorder of glycosylation (CDG2G). Also called: CONGENITAL DISORDER OF GLYCOSYLATION, TYPE IIg; CDG IIg; CDGII/COG1 CEREBROCOSTOMANDIBULAR-LIKE SYNDROME. Identifiers: Orphanet 263508, MedGen C2931011, MONDO:0012637, OMIM 611209.

Allele frequency attached by ClinVar (database versions not stated): gnomAD 0.00005 and 0.00006; TOPMed 0.00007; gnomAD exomes 0.00012; ESP Exome Variant Server 0.00015.
gnomAD v4.1: 179 of 1,612,136 alleles (0.011%); highest among the groups gnomAD compares: Non-Finnish European, 0.015%; no homozygotes.

Submissions (3):

Blueprint Genetics
Classification: Uncertain significance. Last evaluated: 2023-06-07. Review status: criteria provided, single submitter. Criteria: ACMG Guidelines, 2015. Collection method: clinical testing. Allele origin: germline.

Labcorp Genetics (formerly Invitae), Labcorp
Classification: Uncertain significance for COG1 congenital disorder of glycosylation. Last evaluated: 2022-11-01. Review status: criteria provided, single submitter. Criteria: Invitae Variant Classification Sherloc (09022015). Collection method: clinical testing. Allele origin: germline.
Comment: This sequence change replaces asparagine, which is neutral and polar, with serine, which is neutral and polar, at codon 243 of the COG1 protein (p.Asn243Ser). This variant is present in population databases (rs368856790, gnomAD 0.01%). This variant has not been reported in the literature in individuals affected with COG1-related conditions. ClinVar contains an entry for this variant (Variation ID: 596365). Advanced modeling of protein sequence and biophysical properties (such as structural, functional, and spatial information, amino acid conservation, physicochemical variation, residue mobility, and thermodynamic stability) performed at Invitae indicates that this missense variant is not expected to disrupt COG1 protein function. In summary, the available evidence is currently insufficient to determine the role of this variant in disease. Therefore, it has been classified as a Variant of Uncertain Significance.

Eurofins Ntd Llc (ga)
Classification: Uncertain significance. Last evaluated: 2018-03-14. Review status: criteria provided, single submitter. Criteria: EGL ClinVar v180209 classification definitions. Collection method: clinical testing. Allele origin: germline. Observed: 1 variant allele, 1 heterozygote.